The following is an entry in ClinVar:

ClinVar aggregate classification (germline): Likely pathogenic. Review status: reviewed by expert panel (3 of 4 stars). 12 submissions from 12 submitters: Likely pathogenic (1). 11 of the submissions do not count toward it. Last evaluated 2025-06-09.

Conditions:
Type 1 diabetes mellitus 20 (T1D20). Also called: Diabetes mellitus, insulin-dependent, 20. Identifiers: MedGen C2675866, MONDO:0012919, OMIM 612520.
Nonpapillary renal cell carcinoma. Identifiers: Orphanet 422526, MedGen CN074294, MONDO:0007763, OMIM 144700.
Hepatic adenomas, familial. Also called: LIVER CELL ADENOMAS, FAMILIAL; HEPATIC ADENOMA, SOMATIC. Identifiers: MedGen C1840646, MONDO:0007718, OMIM 142330.
Type 2 diabetes mellitus. Also called: Type II diabetes mellitus. Identifiers: MedGen C0011860, MeSH D003924, MONDO:0005148, OMIM 125853, HP:0005978.
Diabetes mellitus type 1 (T1D). Also called: Type I diabetes mellitus; Diabetes Mellitus, Juvenile-Onset. Identifiers: MedGen C0011854, MONDO:0005147, OMIM 222100, HP:0100651.
Maturity-onset diabetes of the young type 3. Also called: MODY, type III; MODY type 3. Identifiers: Orphanet 552, MedGen C1838100, MeSH C563933, MONDO:0010894, OMIM 600496. Disease mechanism: loss of function.
Maturity-onset diabetes of the young (MODY). Also called: Maturity onset diabetes mellitus in young. Identifiers: Orphanet 552, MedGen C0342276, MONDO:0018911, HP:0004904.
HNF1A-related disorder. Also called: HNF1A-related condition.
HNF1A-related disorders.
Monogenic diabetes. Identifiers: Orphanet 183625, MedGen C3888631, MONDO:0015967.

Submissions (12):

ClinGen Monogenic Diabetes Variant Curation Expert Panel
Classification: Likely pathogenic for Monogenic diabetes. Last evaluated: 2025-06-09. Review status: reviewed by expert panel. Criteria: ClinGen Diabetes ACMG Specifications HNF1A V2.1.0. Collection method: curation. Allele origin: germline. Inheritance: Autosomal dominant inheritance.
Comment: The c.864del variant in the HNF1 homeobox A gene, HNF1A, causes a frameshift in the protein at codon 291 (NM_000545.8), adding 51 novel amino acids before encountering a stop codon (p.Pro291GlnfsTer51). This variant, located in biologically-relevant exon 4 of 10, is predicted to lead to nonsense mediated decay in a gene in which loss-of-function is an established disease mechanism (PVS1; PMID: 23348805). This variant failed QC in gnomAD and the frequency data is considered unreliable, therefore PM2_Supporting will not be applied. While this variant was identified in at least 7 unrelated individuals with non- autoimmune and non-absolute/near-absolute insulin-deficient diabetes, PS4_Moderate cannot be applied because the variant does not meet the PM2_Supporting (PMID: 26287533, internal lab contributors). In summary, c.864del meets the criteria to be classified as likely pathogenic for monogenic diabetes. ACMG/AMP criteria applied, as specified by the ClinGen MDEP (specification version 2.1.0, approved 8/11/23): PVS1, PP4_Moderate

GeneDx
Classification: Likely pathogenic. Last evaluated: 2026-01-22. Review status: criteria provided, single submitter. Criteria: GeneDx Variant Classification Process June 2021. Collection method: clinical testing. Allele origin: germline. Affected: yes. Not counted in ClinVar's aggregate classification.
Comment: Frameshift variant predicted to result in protein truncation or nonsense mediated decay in a gene for which loss-of-function is a known mechanism of disease; This variant is associated with the following publications: (PMID: 9313763, 17054605, 30476138, 26287533, 37937776, 36227502, 33535453, 34587721, 35112188, 25414397)

Labcorp Genetics (formerly Invitae), Labcorp
Classification: Pathogenic. Last evaluated: 2025-10-01. Review status: criteria provided, single submitter. Criteria: Invitae Variant Classification Sherloc (09022015). Collection method: clinical testing. Allele origin: germline. Not counted in ClinVar's aggregate classification.
Comment: This sequence change creates a premature translational stop signal (p.Pro291Glnfs*51) in the HNF1A gene. It is expected to result in an absent or disrupted protein product. Loss-of-function variants in HNF1A are known to be pathogenic (PMID: 15928245, 18003757). The frequency data for this variant in the population databases is considered unreliable, as metrics indicate poor data quality at this position in the gnomAD database. This premature translational stop signal has been observed in individual(s) with maturity-onset diabetes of the young (PMID: 26287533). Invitae Evidence Modeling of clinical and family history, age, sex, and reported ancestry of multiple individuals with this HNF1A variant has been performed. This variant is expected to be pathogenic with a positive predictive value of at least 99%. This is a validated machine learning model that incorporates the clinical features of 42,750 individuals referred to our laboratory for HNF1A testing. ClinVar contains an entry for this variant (Variation ID: 435424). For these reasons, this variant has been classified as Pathogenic.

Ambry Genetics
Classification: Pathogenic for Maturity-onset diabetes of the young. Last evaluated: 2025-03-30. Review status: criteria provided, single submitter. Criteria: Ambry Variant Classification Scheme 2023. Collection method: clinical testing. Allele origin: germline. Not counted in ClinVar's aggregate classification.
Comment: The c.864delG pathogenic mutation, located in coding exon 4 of the HNF1A gene, results from a deletion of one nucleotide at nucleotide position 864, causing a translational frameshift with a predicted alternate stop codon (p.P291Qfs*51). This variant was reported in individual(s) with features consistent with HNF1A-related maturity-onset diabetes of the young (Ludovico O et al. PLoS ONE, 2015 Aug;10:e0135855). This alteration is expected to result in loss of function by premature protein truncation or nonsense-mediated mRNA decay. As such, this alteration is interpreted as a disease-causing mutation.

Fulgent Genetics
Classification: Pathogenic for Type 2 diabetes mellitus; Hepatic adenomas, familial; Nonpapillary renal cell carcinoma; Diabetes mellitus type 1; Maturity-onset diabetes of the young type 3; Type 1 diabetes mellitus 20. Last evaluated: 2024-03-11. Review status: criteria provided, single submitter. Criteria: ACMG Guidelines, 2015. Collection method: clinical testing. Allele origin: germline. Not counted in ClinVar's aggregate classification.

Blueprint Genetics
Classification: Pathogenic for HNF1A-related disorders. Last evaluated: 2023-12-27. Review status: criteria provided, single submitter. Criteria: ACMG Guidelines, 2015. Collection method: clinical testing. Allele origin: germline. Affected: yes. Observed: 5 variant alleles. Not counted in ClinVar's aggregate classification.

Laboratory for Molecular Medicine, Mass General Brigham Personalized Medicine
Classification: Pathogenic for Maturity-onset diabetes of the young. Last evaluated: 2020-11-06. Review status: criteria provided, single submitter. Criteria: ACMG Guidelines, 2015. Collection method: clinical testing. Allele origin: germline. Not counted in ClinVar's aggregate classification.
Comment: The p.Pro291GlnfsX51 variant in HNF1A has been reported in 2 individuals with monogenic diabetes (Delvecchio 2014 PMID: 25414397, Ludovico 2015 PMID: 26287533) and has also been reported in ClinVar (Variation ID: 435424). It has been identified in 0.01% (2/13784) of African chromosomes and 0.01% (8/101808) of European chromosomes by gnomAD. This variant is predicted to cause a frameshift, which alters the protein’s amino acid sequence beginning at position 291 and leads to a premature termination codon 51 amino acids downstream. This alteration is then predicted to lead to a truncated or absent protein. Heterozygous loss of function of the HNF1A gene is an established disease mechanism in autosomal dominant maturity onset diabetes of the young (MODY). In summary although additional studies are required to fully establish its clinical significance, this variant meets criteria to be classified as pathogenic for autosomal dominant MODY. ACMG/AMP Criteria applied: PVS1, PS4_Supporting. Please note, this site fails multiple random filters in exomes in gnomAD and is at a multiallelic site; therefore, follow-up Sanger analysis is recommended for exome data.

Athena Diagnostics
Classification: Pathogenic. Last evaluated: 2020-08-06. Review status: criteria provided, single submitter. Criteria: Athena Diagnostics Criteria. Collection method: clinical testing. Allele origin: unknown. Not counted in ClinVar's aggregate classification.
Comment: The variant results in a shift of the reading frame, and is therefore predicted to result in the loss of a functional protein. Found in at least one patient with expected phenotype for this gene, and not found in general population data.

Eurofins Ntd Llc (ga)
Classification: Pathogenic. Last evaluated: 2016-12-23. Review status: criteria provided, single submitter. Criteria: EGL Classification Definitions 2015. Collection method: clinical testing. Allele origin: germline. Observed: 2 variant alleles, 2 heterozygotes. Not counted in ClinVar's aggregate classification.

Genetic Services Laboratory, University of Chicago
Classification: Pathogenic for MODY, type III. Last evaluated: 2016-04-08. Review status: criteria provided, single submitter. Criteria: ACMG Guidelines, 2015. Collection method: clinical testing. Allele origin: germline. Affected: yes. Not counted in ClinVar's aggregate classification.

Clinical Genomics, Uppaluri K&H Personalized Medicine Clinic
Classification: Likely pathogenic for Maturity-onset diabetes of the young. Review status: criteria provided, single submitter. Criteria: K & H Uppaluri Personalized Medicine Clinic Variant Classification & Assertion Criteria_Updated V.1. Collection method: research. Allele origin: unknown. Inheritance: Autosomal dominant inheritance. Not counted in ClinVar's aggregate classification.
Comment: Mutations in HNF1A gene can predispose to MODY3. It is associated with both micro and macrovascular complications of diabetes, especially cardiovascular complications. Associated with glucosuria. May respond well to sulfonylureas. Sufficient evidence is found to confer the association of this particular variant rs762703502 with MODY3.

PreventionGenetics, part of Exact Sciences
Classification: Likely pathogenic for HNF1A-related condition. Last evaluated: 2024-06-04. Review status: no assertion criteria provided. Collection method: clinical testing. Allele origin: germline. Not counted in ClinVar's aggregate classification.
Comment: The HNF1A c.864delG variant is predicted to result in a frameshift and premature protein termination (p.Pro291Glnfs*51). This variant has been reported in individuals with diabetes mellitus or Maturity-Onset Diabetes of the Young (MODY) (e.g., Wheeler et al. 2013. PubMed ID: 24355479; Ludovico et al. 2015. PubMed ID: 26287533; Yalçıntepe et al. 2021. PubMed ID: 33565752). This variant is reported in 0.017% of alleles in individuals of European (Non-Finnish) descent in gnomAD. It is interpreted as pathogenic or likely pathogenic by multiple submitters to ClinVar, including the ClinGen Monogenic Diabetes Variant Curation Expert Panel. Frameshift and other loss-of-function variants in HNF1A are expected to be pathogenic. Based on the collective evidence, this variant is interpreted as likely pathogenic.

Literature cited by the submitters: PubMed 23348805 (cited by ClinGen Monogenic Diabetes Variant Curation Expert Panel); PubMed 26287533 (cited by 5 submitters); PubMed 15928245 (cited by Labcorp Genetics (formerly Invitae), Labcorp); PubMed 18003757 (cited by Labcorp Genetics (formerly Invitae), Labcorp); PubMed 25414397 (cited by Athena Diagnostics and Eurofins Ntd Llc (ga)); PubMed 33889819 (cited by Clinical Genomics, Uppaluri K&H Personalized Medicine Clinic); PubMed 32741144 (cited by Clinical Genomics, Uppaluri K&H Personalized Medicine Clinic).

NM_000545.8(HNF1A):c.864del (p.Pro291fs)

Gene: HNF1A (HNF1 homeobox A; plus strand). Cytogenetic location: 12q24.31.
Variant type: Deletion.
Coding change: c.864del on transcript NM_000545.8 (MANE Select); coding-DNA position 864, one base deleted (G; older notation c.864delG).
Protein change: p.Pro291fs; shifts the reading frame from proline 291.
Molecular consequence: frameshift variant.
Genome position (GRCh38, 1-based): chr12:120,994,314, G deleted; the last of 3 consecutive G bases (chr12:120,994,312-120,994,314); deleting any one gives the same sequence. VCF-style (leftmost placement, unchanged base first): chr12-120994311-CG-C. GRCh37 (hg19) VCF-style: chr12-121432114-CG-C.
Other names: NM_000545.6(HNF1A):c.864del; p.Pro291fs; c.864del, p.Pro291fs (NM_001306179.2); c.864delG (NM_000545.5, NM_000545.6); short protein forms P291fs.
Identifiers: ClinVar variation 435424 (VCV000435424.30), dbSNP rs762703502, ClinGen allele CA6831842.